The following is an entry in ClinVar:

NM_015999.6(ADIPOR1):c.752T>A (p.Ile251Asn)

Gene: ADIPOR1 (adiponectin receptor 1; minus strand). Cytogenetic location: 1q32.1.
Variant type: single nucleotide variant.
Coding change: c.752T>A on transcript NM_015999.6 (MANE Select); coding-DNA position 752, T replaced by A.
Protein change: p.Ile251Asn; replaces isoleucine 251 with asparagine.
Molecular consequence: missense variant.
Genome position (GRCh38, 1-based): chr1:202,943,811, A>T on the plus strand (T>A on the coding strand, the complement: ADIPOR1 is on the minus strand). VCF-style: chr1-202943811-A-T. GRCh37 (hg19) VCF-style: chr1-202912939-A-T.
Other names: c.752T>A, p.Ile251Asn (NM_001127687.1, NM_001290553.2, NM_001290557.1 and 1 more transcripts); short protein forms I251N.
Identifiers: ClinVar variation 1933021 (VCV001933021.5), dbSNP rs369530077, ClinGen allele CA1335907.

ClinVar aggregate classification (germline): Uncertain significance (1 of 4 stars; one submission).

Allele frequency attached by ClinVar (database versions not stated): ESP Exome Variant Server 0.00008.
gnomAD v4.1: 1 of 1,614,138 alleles (0.000062%); highest among the groups gnomAD compares: African/African-American, 0.0013%; no homozygotes.

Submission:

Labcorp Genetics (formerly Invitae), Labcorp
Classification: Uncertain significance. Last evaluated: 2022-02-28. Review status: criteria provided, single submitter. Criteria: Invitae Variant Classification Sherloc (09022015). Collection method: clinical testing. Allele origin: germline.
Comment: This sequence change replaces isoleucine, which is neutral and non-polar, with asparagine, which is neutral and polar, at codon 251 of the ADIPOR1 protein (p.Ile251Asn). In summary, the available evidence is currently insufficient to determine the role of this variant in disease. Therefore, it has been classified as a Variant of Uncertain Significance. Algorithms developed to predict the effect of missense changes on protein structure and function are either unavailable or do not agree on the potential impact of this missense change (SIFT: "Deleterious"; PolyPhen-2: "Benign"; Align-GVGD: "Class C45"). This variant has not been reported in the literature in individuals affected with ADIPOR1-related conditions. This variant is present in population databases (rs369530077, gnomAD 0.007%).